The following is an entry in ClinVar:

NM_001042492.3(NF1):c.5349T>G (p.Tyr1783Ter)

Gene: NF1 (neurofibromin 1; plus strand). Cytogenetic location: 17q11.2.
Variant type: single nucleotide variant.
Coding change: c.5349T>G on transcript NM_001042492.3 (MANE Select); coding-DNA position 5349, T replaced by G.
Protein change: p.Tyr1783Ter; replaces tyrosine 1783 with a stop codon.
Molecular consequence: nonsense.
Genome position (GRCh38, 1-based): chr17:31,327,579, T>G. VCF-style: chr17-31327579-T-G. GRCh37 (hg19) VCF-style: chr17-29654597-T-G.
Other names: c.5286T>G, p.Tyr1762Ter (NM_000267.4); short protein forms Y1762*, Y1783*.
Identifiers: ClinVar variation 1076066 (VCV001076066.1), dbSNP rs2151541056, ClinGen allele CA399009238.
Genomic context (GRCh38, chr17:31,327,579, plus strand): 5'-AGTAACTTCAGCAGAGCGAACAAAAGTCCTAGGGCAATCAGTCTTTCTAAATGACATTTA[T>G]TATGCTTCGGAAATTGAAGAAATCTGCCTAGTAGATGAGAACCAGTTCACCTTAACCATT-3'

ClinVar aggregate classification (germline): Pathogenic (1 of 4 stars; one submission).

Conditions:
Neurofibromatosis, type 1 (NF1). Also called: VON RECKLINGHAUSEN DISEASE; Peripheral type neurofibromatosis; NEUROFIBROMATOSIS, TYPE I, SOMATIC; Neurofibromatosis, type I. Identifiers: Orphanet 636, MedGen C0027831, MONDO:0018975, OMIM 162200. Disease mechanism: loss of function.

Submission:

Labcorp Genetics (formerly Invitae), Labcorp
Classification: Pathogenic for Neurofibromatosis, type 1. Last evaluated: 2020-06-20. Review status: criteria provided, single submitter. Criteria: Invitae Variant Classification Sherloc (09022015). Collection method: clinical testing. Allele origin: germline.
Comment: This sequence change creates a premature translational stop signal (p.Tyr1762*) in the NF1 gene. It is expected to result in an absent or disrupted protein product. This variant is not present in population databases (ExAC no frequency). This variant has been observed in individual(s) with neurofibromatosis type 1 (PMID: 10712197). Algorithms developed to predict the effect of sequence changes on RNA splicing suggest that this variant may create or strengthen a splice site, but this prediction has not been confirmed by published transcriptional studies. Loss-of-function variants in NF1 are known to be pathogenic (PMID: 10712197, 23913538). For these reasons, this variant has been classified as Pathogenic.

Literature cited by the submitters: PubMed 10712197; PubMed 23913538.